The following is an entry in ClinVar:

NM_022065.5(THADA):c.5164+8C>T

Gene: THADA (THADA armadillo repeat containing; minus strand). Cytogenetic location: 2p21.
Variant type: single nucleotide variant.
Coding change: c.5164+8C>T on transcript NM_022065.5 (MANE Select); 8 bases into the intron after coding-DNA position 5164, C replaced by T.
Molecular consequence: intron variant.
Genome position (GRCh38, 1-based): chr2:43,286,900, G>A on the plus strand (C>T on the coding strand, the complement: THADA is on the minus strand). VCF-style: chr2-43286900-G-A. GRCh37 (hg19) VCF-style: chr2-43514039-G-A.
Other names: c.5041+8C>T (NM_001345924.2); c.5161+8C>T (NM_001345923.2); c.5164+8C>T (NM_001345925.2, NM_001083953.2).
Identifiers: ClinVar variation 3057614 (VCV003057614.2), dbSNP rs377020386, ClinGen allele CA1631987.

ClinVar aggregate classification (germline): Likely benign (0 of 4 stars; one submission).

Conditions:
THADA-related disorder. Also called: THADA-related condition.

Allele frequency attached by ClinVar (database versions not stated): ESP Exome Variant Server 0.00008; ExAC 0.00009; TOPMed 0.00012; gnomAD exomes 0.00014; gnomAD 0.00015; 1000 Genomes Project 30x 0.00031.
gnomAD v4.1: 219 of 1,606,588 alleles (0.014%); highest among the groups gnomAD compares: East Asian, 0.029%; no homozygotes.

Submission:

PreventionGenetics, part of Exact Sciences
Classification: Likely benign for THADA-related condition. Last evaluated: 2019-03-14. Review status: no assertion criteria provided. Collection method: clinical testing. Allele origin: germline.
Comment: This variant is classified as likely benign based on ACMG/AMP sequence variant interpretation guidelines (Richards et al. 2015 PMID: 25741868, with internal and published modifications).